The following is an entry in ClinVar:

NM_004553.6(NDUFS6):c.67C>G (p.Leu23Val)

Gene: NDUFS6 (NADH:ubiquinone oxidoreductase subunit S6; plus strand). Cytogenetic location: 5p15.33.
Variant type: single nucleotide variant.
Coding change: c.67C>G on transcript NM_004553.6 (MANE Select); coding-DNA position 67, C replaced by G.
Protein change: p.Leu23Val; replaces leucine 23 with valine.
Molecular consequence: missense variant.
Genome position (GRCh38, 1-based): chr5:1,801,484, C>G. VCF-style: chr5-1801484-C-G. GRCh37 (hg19) VCF-style: chr5-1801598-C-G.
Other names: short protein forms L23V.
Identifiers: ClinVar variation 1444658 (VCV001444658.6), dbSNP rs1014264454, ClinGen allele CA3187543.
Genomic context (GRCh38, chr5:1,801,484, plus strand): 5'-GCGGCGATGACCTTCTGCCGGCTGCTGAACCGGTGTGGCGAGGCGGCGCGGAGCCTGCCC[C>G]TGGGCGCCAGGTGTTTCGGGGTGCGGGTCTCGCCGACCGGGGAGAAGGTCACGCACACTG-3'
Protein context (NP_004544.1, residues 13-33): RCGEAARSLP[Leu23Val]GARCFGVRVS

ClinVar aggregate classification (germline): Uncertain significance (1 of 4 stars; one submission).

gnomAD v4.1: 4 of 1,603,194 alleles (0.00025%); highest among the groups gnomAD compares: Admixed American, 0.0033%; no homozygotes.

Submission:

Labcorp Genetics (formerly Invitae), Labcorp
Classification: Uncertain significance. Last evaluated: 2024-10-16. Review status: criteria provided, single submitter. Criteria: Invitae Variant Classification Sherloc (09022015). Collection method: clinical testing. Allele origin: germline.
Comment: This sequence change replaces leucine, which is neutral and non-polar, with valine, which is neutral and non-polar, at codon 23 of the NDUFS6 protein (p.Leu23Val). This variant is present in population databases (no rsID available, gnomAD 0.003%). This variant has not been reported in the literature in individuals affected with NDUFS6-related conditions. ClinVar contains an entry for this variant (Variation ID: 1444658). An algorithm developed to predict the effect of missense changes on protein structure and function (PolyPhen-2) suggests that this variant¬†is likely to be tolerated. In summary, the available evidence is currently insufficient to determine the role of this variant in disease. Therefore, it has been classified as a Variant of Uncertain Significance.